The following is an entry in ClinVar:

NM_007294.4(BRCA1):c.4924T>G (p.Ser1642Ala)

Gene: BRCA1 (BRCA1 DNA repair associated; minus strand). Cytogenetic location: 17q21.31.
Variant type: single nucleotide variant.
Coding change: c.4924T>G on transcript NM_007294.4 (MANE Select); coding-DNA position 4924, T replaced by G.
Protein change: p.Ser1642Ala; replaces serine 1642 with alanine.
Molecular consequence: missense variant. On other transcripts: non-coding transcript variant (1).
Genome position (GRCh38, 1-based): chr17:43,070,990, A>C on the plus strand (T>G on the coding strand, the complement: BRCA1 is on the minus strand). VCF-style: chr17-43070990-A-C. GRCh37 (hg19) VCF-style: chr17-41223007-A-C.
Other names: c.4711T>G, p.Ser1571Ala (NM_001407571.1, NM_001407898.1, NM_001407899.1 and 12 more transcripts); c.4990T>G, p.Ser1664Ala (NM_001407581.1, NM_001407582.1); c.4987T>G, p.Ser1663Ala (NM_001407583.1, NM_001407585.1, NM_001407587.1 and 1 more transcripts); c.4984T>G, p.Ser1662Ala (NM_001407590.1, NM_001407591.1); c.4924T>G, p.Ser1642Ala (NM_001407593.1, NM_001407594.1, NM_001407596.1 and 8 more transcripts); c.4921T>G, p.Ser1641Ala (NM_001407610.1, NM_001407611.1, NM_001407612.1 and 17 more transcripts); c.4918T>G, p.Ser1640Ala (NM_001407627.1, NM_001407628.1, NM_001407629.1 and 14 more transcripts); c.4909T>G, p.Ser1637Ala (NM_001407647.1); and 70 more; short protein forms S538A, S1595A, S1663A, S1642A, S1553A, S1572A, S1575A, S1599A.
Identifiers: ClinVar variation 868850 (VCV000868850.3), dbSNP rs2052376601, ClinGen allele CA10591673.

Conditions:
Breast-ovarian cancer, familial, susceptibility to, 1 (BROVCA1). Also called: BRCA1 Hereditary Breast and Ovarian Cancer; OVARIAN CANCER, SUSCEPTIBILITY TO. Identifiers: Orphanet 145, MedGen C2676676, MONDO:0011450, OMIM 604370. Disease mechanism: loss of function.

Submission:

Brotman Baty Institute, University of Washington
No classification provided (evidence only). Condition: Breast-ovarian cancer, familial 1. Review status: no classification provided. Collection method: in vitro. Allele origin: not applicable. Functional consequence: functionally_normal.
ClinVar note: "not provided" was previously submitted as the classification for the variant. However, the classification appeared to be based only on an observation of functional data so it was converted to no classification on 2025-07-30.